The following is an entry in ClinVar:

ClinVar aggregate classification (germline): Likely pathogenic (1 of 4 stars; one submission).

Conditions:
Severe combined immunodeficiency disease. Also called: Severe combined immunodeficiency; Severe Combined Immune Deficiency. Identifiers: Orphanet 183660, MedGen C0085110, MeSH D016511, MONDO:0015974, HP:0004430. Inheritance: X-Linked or Autosomal recessive.

Submission:

Women's Health and Genetics/Laboratory Corporation of America, LabCorp
Classification: Likely pathogenic for Severe combined immunodeficiency disease. Last evaluated: 2021-11-23. Review status: criteria provided, single submitter. Criteria: LabCorp Variant Classification Summary - May 2015. Collection method: clinical testing. Allele origin: germline.
Comment: Variant summary: The variant identified by MLPA or other technology involves the duplication of exon 2-26 in the DOCK8 gene. A presumed nomenclature of c.(53+1_54-1)_(3234+1_3235-1)dup has been designated for the purposes of this classification. It has been assumed that this is a tandem duplication in direct orientation (Richardson_GIM_2018, Neuman_AJHG_2015). Although exact breakpoints of this duplication are not known, it is expected to result in a frameshift duplication in the DOCK8 gene. The variant was absent in ~21600 control chromosomes (gnomAD structural variants dataset). The available data on variant occurrences in the general population are insufficient to allow any conclusion about variant significance. To our knowledge, no occurrence of c.(53+1_54-1)_(3234+1_3235-1)dup in individuals affected with DOCK8-related disease and no experimental evidence demonstrating its impact on protein function have been reported. One clinical diagnostic laboratory has submitted clinical-significance assessments for this variant to ClinVar after 2014 , and classified the variant as likely pathogenic. Based on the evidence outlined above, the variant was classified as likely pathogenic.

NC_000009.11:g.(215030_271626)_(399260_404917)dup

Genes: DOCK8 (dedicator of cytokinesis 8; plus strand), DOCK8-AS1 (DOCK8 antisense RNA 1; minus strand). Cytogenetic location: 9p24.3.
Variant type: Duplication.
Identifiers: ClinVar variation 1329071 (VCV001329071.1).